The following is an entry in ClinVar:

NM_000257.4(MYH7):c.1979C>A (p.Thr660Asn)

Gene: MYH7 (myosin heavy chain 7; minus strand). Cytogenetic location: 14q11.2.
Variant type: single nucleotide variant.
Coding change: c.1979C>A on transcript NM_000257.4 (MANE Select); coding-DNA position 1979, C replaced by A.
Protein change: p.Thr660Asn; replaces threonine 660 with asparagine.
Molecular consequence: missense variant.
Genome position (GRCh38, 1-based): chr14:23,426,842, G>T on the plus strand (C>A on the coding strand, the complement: MYH7 is on the minus strand). VCF-style: chr14-23426842-G-T. GRCh37 (hg19) VCF-style: chr14-23896051-G-T.
Other names: c.1979C>A (LRG_384t1); short protein forms T660N.
Identifiers: ClinVar variation 636826 (VCV000636826.10), dbSNP rs1595084560, ClinGen allele CA389049395.

ClinVar aggregate classification (germline): Likely pathogenic. Review status: criteria provided, multiple submitters, no conflicts (2 of 4 stars). 5 submissions from 5 submitters: Likely pathogenic (5). Last evaluated 2025-08-04.

Conditions:
Hypertrophic cardiomyopathy 1 (CMH1). Also called: MYH7-Related Familial Hypertrophic Cardiomyopathy; Familial hypertrophic cardiomyopathy 1. Identifiers: MedGen C3495498, MONDO:0008647, OMIM 192600.
Cardiovascular phenotype. Identifiers: MedGen CN230736.
Hypertrophic cardiomyopathy. Also called: HYPERTROPHIC MYOCARDIOPATHY. Identifiers: Orphanet 217569, MedGen C0007194, MeSH D002312, MONDO:0005045, HP:0001639.
MYH7-related disorder. Also called: MYH7-related condition; MYH7-related disease; MYH7-related disorders.

Allele frequency attached by ClinVar (database versions not stated): gnomAD exomes below 0.00001.
gnomAD v4.1: 1 of 1,614,048 alleles (0.000062%); highest among the groups gnomAD compares: Non-Finnish European, 0.000085%; no homozygotes.

Submissions (5):

Ambry Genetics
Classification: Likely pathogenic for Cardiovascular phenotype. Last evaluated: 2025-08-04. Review status: criteria provided, single submitter. Criteria: Ambry Variant Classification Scheme 2023. Collection method: clinical testing. Allele origin: germline.
Comment: The p.T660N variant (also known as c.1979C>A), located in coding exon 16 of the MYH7 gene, results from a C to A substitution at nucleotide position 1979. The threonine at codon 660 is replaced by asparagine, an amino acid with similar properties. This alteration is located in the myosin head domain, which contains a statistically significant clustering of pathogenic missense variants (Homburger JR et al. Proc Natl Acad Sci U S A, 2016 06;113:6701-6; Walsh R et al. Genet Med, 2017 02;19:192-203; Ambry internal data). This variant has been reported in individual(s) with features consistent with hypertrophic cardiomyopathy (HCM) (Curila K et al. Acta Cardiol, 2012 Feb;67:23-9; Bos JM et al. Mayo Clin Proc, 2014 Jun;89:727-37; Hathaway J et al. BMC Cardiovasc Disord, 2021 Mar;21:126; Ambry internal data; external communications). This variant is considered to be rare based on population cohorts in the Genome Aggregation Database (gnomAD). This amino acid position is well conserved in available vertebrate species. In addition, the in silico prediction for this alteration is inconclusive. Based on the majority of available evidence to date, this variant is likely to be pathogenic.

Human Genetics Bochum, Ruhr University Bochum
Classification: Likely pathogenic for Hypertrophic cardiomyopathy 1. Last evaluated: 2025-06-23. Review status: criteria provided, single submitter. Criteria: ACMG Guidelines, 2015. Collection method: clinical testing. Allele origin: germline. Affected: yes.
Comment: ACMG criteria used to clasify this variant: PS4_MOD, PM1, PM2_SUP, PP2, PP3

Labcorp Genetics (formerly Invitae), Labcorp
Classification: Likely pathogenic for Hypertrophic cardiomyopathy. Last evaluated: 2024-01-08. Review status: criteria provided, single submitter. Criteria: Invitae Variant Classification Sherloc (09022015). Collection method: clinical testing. Allele origin: germline.
Comment: This sequence change replaces threonine, which is neutral and polar, with asparagine, which is neutral and polar, at codon 660 of the MYH7 protein (p.Thr660Asn). This variant is not present in population databases (gnomAD no frequency). This missense change has been observed in individuals with hypertrophic cardiomyopathy (PMID: 22455086, 32894683, 33673806). ClinVar contains an entry for this variant (Variation ID: 636826). Advanced modeling of protein sequence and biophysical properties (such as structural, functional, and spatial information, amino acid conservation, physicochemical variation, residue mobility, and thermodynamic stability) performed at Invitae indicates that this missense variant is expected to disrupt MYH7 protein function with a positive predictive value of 95%. This variant is found within a region of MYH7 between codons 181 and 937 that contains the majority of the myosin head domain. Missense variants in this region have been shown to be significantly overrepresented in individuals with hypertrophic cardiomyopathy (PMID: 27532257). In summary, the currently available evidence indicates that the variant is pathogenic, but additional data are needed to prove that conclusively. Therefore, this variant has been classified as Likely Pathogenic.

GeneDx
Classification: Likely pathogenic. Last evaluated: 2023-09-06. Review status: criteria provided, single submitter. Criteria: GeneDx Variant Classification Process June 2021. Collection method: clinical testing. Allele origin: germline. Affected: yes.
Comment: Not observed at significant frequency in large population cohorts (gnomAD); In silico analysis supports that this missense variant has a deleterious effect on protein structure/function; This variant is associated with the following publications: (PMID: 27532257, 29300372, 33673806, 32894683, 22455086)

Blueprint Genetics
Classification: Likely pathogenic for MYH7-related disorders. Last evaluated: 2018-10-19. Review status: criteria provided, single submitter. Criteria: ACMG Guidelines, 2015. Collection method: clinical testing. Allele origin: germline. Affected: yes. Observed: 1 variant allele.

Literature cited by the submitters: PubMed 22455086 (cited by Ambry Genetics and Labcorp Genetics (formerly Invitae), Labcorp); PubMed 24793961 (cited by Ambry Genetics); PubMed 33673806 (cited by Ambry Genetics and Labcorp Genetics (formerly Invitae), Labcorp); PubMed 32894683 (cited by Labcorp Genetics (formerly Invitae), Labcorp); PubMed 27532257 (cited by Labcorp Genetics (formerly Invitae), Labcorp).